The following is an entry in ClinVar:

ClinVar aggregate classification (germline): Uncertain significance (1 of 4 stars; one submission).

Conditions:
Cardiovascular phenotype. Identifiers: MedGen CN230736.

gnomAD v4.1: 19 of 1,611,464 alleles (0.0012%); highest among the groups gnomAD compares: African/African-American, 0.0053%; no homozygotes.

Submission:

Ambry Genetics
Classification: Uncertain significance for Cardiovascular phenotype. Last evaluated: 2022-04-09. Review status: criteria provided, single submitter. Criteria: Ambry Variant Classification Scheme 2023. Collection method: clinical testing. Allele origin: germline.
Comment: The p.R414Q variant (also known as c.1241G>A), located in coding exon 11 of the PRDM5 gene, results from a G to A substitution at nucleotide position 1241. The arginine at codon 414 is replaced by glutamine, an amino acid with highly similar properties. This amino acid position is conserved. In addition, this alteration is predicted to be tolerated by in silico analysis. Since supporting evidence is limited at this time, the clinical significance of this alteration remains unclear.

NM_018699.4(PRDM5):c.1241G>A (p.Arg414Gln)

Gene: PRDM5 (PR/SET domain 5; minus strand). Cytogenetic location: 4q27.
Variant type: single nucleotide variant.
Coding change: c.1241G>A on transcript NM_018699.4 (MANE Select); coding-DNA position 1241, G replaced by A.
Protein change: p.Arg414Gln; replaces arginine 414 with glutamine.
Molecular consequence: missense variant.
Genome position (GRCh38, 1-based): chr4:120,785,039, C>T on the plus strand (G>A on the coding strand, the complement: PRDM5 is on the minus strand). VCF-style: chr4-120785039-C-T. GRCh37 (hg19) VCF-style: chr4-121706194-C-T.
Other names: c.1148G>A, p.Arg383Gln (NM_001300823.2, NM_001300824.2, NM_001379106.1); c.1274G>A, p.Arg425Gln (NM_001379104.1); short protein forms R383Q, R414Q, R425Q.
Identifiers: ClinVar variation 1758425 (VCV001758425.2), dbSNP rs753113187, ClinGen allele CA3061109.